The following is an entry in ClinVar:

ClinVar aggregate classification (germline): Benign (0 of 4 stars; one submission).

Conditions:
HP-related disorder. Also called: HP-related condition.

Allele frequency attached by ClinVar (database versions not stated): 1000 Genomes Project 0.01438; 1000 Genomes Project 30x 0.01452; ExAC 0.03051; ESP Exome Variant Server 0.03611.

Submission:

PreventionGenetics, part of Exact Sciences
Classification: Benign for HP-related condition. Last evaluated: 2019-10-31. Review status: no assertion criteria provided. Collection method: clinical testing. Allele origin: germline.
Comment: This variant is classified as benign based on ACMG/AMP sequence variant interpretation guidelines (Richards et al. 2015 PMID: 25741868, with internal and published modifications).

NM_005143.5(HP):c.780G>A (p.Glu260=)

Gene: HP (haptoglobin; plus strand). Cytogenetic location: 16q22.2.
Variant type: single nucleotide variant.
Coding change: c.780G>A on transcript NM_005143.5 (MANE Select); coding-DNA position 780, G replaced by A.
Protein change: p.Glu260=; no amino-acid change (glutamic acid 260 retained).
Molecular consequence: synonymous variant.
Genome position (GRCh38, 1-based): chr16:72,060,449, G>A. VCF-style: chr16-72060449-G-A. GRCh37 (hg19) VCF-style: chr16-72094348-G-A.
Other names: c.603G>A, p.Glu201= (NM_001126102.3, NM_001318138.2).
Identifiers: ClinVar variation 3060365 (VCV003060365.2), dbSNP rs5475, ClinGen allele CA8159189.